The following is an entry in ClinVar:

NM_006739.4(MCM5):c.596+6T>A

Gene: MCM5 (minichromosome maintenance complex component 5; plus strand). Cytogenetic location: 22q12.3.
Variant type: single nucleotide variant.
Coding change: c.596+6T>A on transcript NM_006739.4 (MANE Select); 6 bases into the intron after coding-DNA position 596, T replaced by A.
Molecular consequence: intron variant.
Genome position (GRCh38, 1-based): chr22:35,406,731, T>A. VCF-style: chr22-35406731-T-A. GRCh37 (hg19) VCF-style: chr22-35802724-T-A.
Identifiers: ClinVar variation 1977128 (VCV001977128.5), dbSNP rs2517887853, ClinGen allele CA2580099712.

ClinVar aggregate classification (germline): Uncertain significance (1 of 4 stars; one submission).

Submission:

Labcorp Genetics (formerly Invitae), Labcorp
Classification: Uncertain significance. Last evaluated: 2025-12-02. Review status: criteria provided, single submitter. Criteria: Invitae Variant Classification Sherloc (09022015). Collection method: clinical testing. Allele origin: germline.
Comment: This sequence change falls in intron 5 of the MCM5 gene. It does not directly change the encoded amino acid sequence of the MCM5 protein. It affects a nucleotide within the consensus splice site. This variant is not present in population databases (gnomAD no frequency). This variant has not been reported in the literature in individuals affected with MCM5-related conditions. ClinVar contains an entry for this variant (Variation ID: 1977128). Variants that disrupt the consensus splice site are a relatively common cause of aberrant splicing (PMID: 17576681, 9536098). Algorithms developed to predict the effect of sequence changes on RNA splicing suggest that this variant may disrupt the consensus splice site. In summary, the available evidence is currently insufficient to determine the role of this variant in disease. Therefore, it has been classified as a Variant of Uncertain Significance.

Literature cited by the submitters: PubMed 17576681; PubMed 9536098.